The following is an entry in ClinVar:

ClinVar aggregate classification (germline): Uncertain significance (1 of 4 stars; one submission).

gnomAD v4.1: 3 of 1,613,186 alleles (0.00019%); highest among the groups gnomAD compares: African/African-American, 0.0027%; no homozygotes.

Submission:

Labcorp Genetics (formerly Invitae), Labcorp
Classification: Uncertain significance. Last evaluated: 2025-03-30. Review status: criteria provided, single submitter. Criteria: Invitae Variant Classification Sherloc (09022015). Collection method: clinical testing. Allele origin: germline.
Comment: This sequence change replaces histidine, which is basic and polar, with arginine, which is basic and polar, at codon 213 of the SLC25A32 protein (p.His213Arg). This variant is not present in population databases (gnomAD no frequency). This variant has not been reported in the literature in individuals affected with SLC25A32-related conditions. Invitae Evidence Modeling of protein sequence and biophysical properties (such as structural, functional, and spatial information, amino acid conservation, physicochemical variation, residue mobility, and thermodynamic stability) indicates that this missense variant is not expected to disrupt SLC25A32 protein function with a negative predictive value of 80%. In summary, the available evidence is currently insufficient to determine the role of this variant in disease. Therefore, it has been classified as a Variant of Uncertain Significance.

NM_030780.5(SLC25A32):c.638A>G (p.His213Arg)

Gene: SLC25A32 (solute carrier family 25 member 32; minus strand). Cytogenetic location: 8q22.3.
Variant type: single nucleotide variant.
Coding change: c.638A>G on transcript NM_030780.5 (MANE Select); coding-DNA position 638, A replaced by G.
Protein change: p.His213Arg; replaces histidine 213 with arginine.
Molecular consequence: missense variant. On other transcripts: non-coding transcript variant (2).
Genome position (GRCh38, 1-based): chr8:103,401,969, T>C on the plus strand (A>G on the coding strand, the complement: SLC25A32 is on the minus strand). VCF-style: chr8-103401969-T-C. GRCh37 (hg19) VCF-style: chr8-104414197-T-C.
Other names: short protein forms H213R.
Identifiers: ClinVar variation 4702717 (VCV004702717.1).